The following is an entry in ClinVar:

NM_004239.4(TRIP11):c.4790G>A (p.Arg1597His)

Gene: TRIP11 (thyroid hormone receptor interactor 11; minus strand). Cytogenetic location: 14q32.12.
Variant type: single nucleotide variant.
Coding change: c.4790G>A on transcript NM_004239.4 (MANE Select); coding-DNA position 4790, G replaced by A.
Protein change: p.Arg1597His; replaces arginine 1597 with histidine.
Molecular consequence: missense variant.
Genome position (GRCh38, 1-based): chr14:91,999,342, C>T on the plus strand (G>A on the coding strand, the complement: TRIP11 is on the minus strand). VCF-style: chr14-91999342-C-T. GRCh37 (hg19) VCF-style: chr14-92465686-C-T.
Other names: c.4787G>A, p.Arg1596His (NM_001321851.1); short protein forms R1597H, R1596H.
Identifiers: ClinVar variation 2150587 (VCV002150587.4), dbSNP rs756103176, ClinGen allele CA7313362.

ClinVar aggregate classification (germline): Uncertain significance (1 of 4 stars; one submission).

Conditions:
Achondrogenesis, type IA (ACG1A). Identifiers: Orphanet 932, Orphanet 93299, MedGen C0265273, MONDO:0008701, OMIM 200600.

Allele frequency attached by ClinVar (database versions not stated): gnomAD 0.00003; ExAC 0.00004; TOPMed 0.00005; gnomAD exomes 0.00006.
gnomAD v4.1: 87 of 1,613,786 alleles (0.0054%); highest among the groups gnomAD compares: South Asian, 0.0066%; no homozygotes.

Submission:

Labcorp Genetics (formerly Invitae), Labcorp
Classification: Uncertain significance for Achondrogenesis, type IA. Last evaluated: 2022-07-30. Review status: criteria provided, single submitter. Criteria: Invitae Variant Classification Sherloc (09022015). Collection method: clinical testing. Allele origin: germline.
Comment: In summary, the available evidence is currently insufficient to determine the role of this variant in disease. Therefore, it has been classified as a Variant of Uncertain Significance. Algorithms developed to predict the effect of missense changes on protein structure and function are either unavailable or do not agree on the potential impact of this missense change (SIFT: "Not Available"; PolyPhen-2: "Benign"; Align-GVGD: "Not Available"). This variant has not been reported in the literature in individuals affected with TRIP11-related conditions. This variant is present in population databases (rs756103176, gnomAD 0.01%). This sequence change replaces arginine, which is basic and polar, with histidine, which is basic and polar, at codon 1597 of the TRIP11 protein (p.Arg1597His).